The following is an entry in ClinVar:

NM_001267550.2(TTN):c.80950G>T (p.Glu26984Ter)

Genes: TTN (titin; minus strand), TTN-AS1 (TTN antisense RNA 1; plus strand). Cytogenetic location: 2q31.2.
Variant type: single nucleotide variant.
Coding change: c.80950G>T on transcript NM_001267550.2 (MANE Select); coding-DNA position 80950, G replaced by T.
Protein change: p.Glu26984Ter; replaces glutamic acid 26984 with a stop codon.
Molecular consequence: nonsense.
Genome position (GRCh38, 1-based): chr2:178,565,182, C>A on the plus strand (G>T on the coding strand, the complement: TTN is on the minus strand). VCF-style: chr2-178565182-C-A. GRCh37 (hg19) VCF-style: chr2-179429909-C-A.
Other names: c.76027G>T, p.Glu25343Ter (NM_001256850.1); c.53755G>T, p.Glu17919Ter (NM_003319.4); c.73246G>T, p.Glu24416Ter (NM_133378.4); c.54130G>T, p.Glu18044Ter (NM_133432.3); c.54331G>T, p.Glu18111Ter (NM_133437.4); short protein forms E17919*, E26984*, E18111*, E25343*, E18044*, E24416*.
Identifiers: ClinVar variation 667017 (VCV000667017.6), dbSNP rs1060500562, ClinGen allele CA349584896.

ClinVar aggregate classification (germline): Likely pathogenic. Review status: criteria provided, multiple submitters, no conflicts (2 of 4 stars). 2 submissions from 2 submitters: Likely pathogenic (2). Last evaluated 2022-06-13.

Conditions:
Primary dilated cardiomyopathy (DCM). Also called: Dilated Cardiomyopathy. Identifiers: Orphanet 217604, MedGen C0007193, MeSH D002311, MONDO:0005021, HP:0001644. Inheritance: Various modes of inheritance.
Cardiovascular phenotype. Identifiers: MedGen CN230736.

Submissions (2):

Ambry Genetics
Classification: Likely pathogenic for Cardiovascular phenotype. Last evaluated: 2022-06-13. Review status: criteria provided, single submitter. Criteria: Ambry Variant Classification Scheme 2023. Collection method: clinical testing. Allele origin: germline.
Comment: The p.E17919* variant (also known as c.53755G>T), located in coding exon 153 of the TTN gene, results from a G to T substitution at nucleotide position 53755. This changes the amino acid from a glutamic acid to a stop codon within coding exon 153. This exon is located in the A-band region of the N2-B isoform of the titin protein and is constitutively expressed in TTN transcripts (percent spliced in or PSI 100%). This alteration has been reported in an individual with dilated cardiomyopathy (DCM) (Rich KA et al. Mol Genet Genomic Med, 2020 10;8:e1460). This variant is considered to be rare based on population cohorts in the Genome Aggregation Database (gnomAD). In addition, this alteration is expected to result in loss of function by premature protein truncation or nonsense-mediated mRNA decay. While truncating variants in TTN are present in 1-3% of the general population, truncating variants in the A-band are the most common cause of dilated cardiomyopathy (DCM) (Herman DS et al. N. Engl. J. Med., 2012 Feb;366:619-28; Roberts AM et al. Sci Transl Med, 2015 Jan;7:270ra6). TTN truncating variants encoded in constitutive exons (PSI >90%) have been found to be significantly associated with DCM regardless of their position in titin (Schafer S et al. Nat. Genet., 2017 01;49:46-53). As such, this alteration is classified as likely pathogenic.

Laboratory for Molecular Medicine, Mass General Brigham Personalized Medicine
Classification: Likely pathogenic for Primary dilated cardiomyopathy. Last evaluated: 2018-03-15. Review status: criteria provided, single submitter. Criteria: LMM Criteria. Collection method: clinical testing. Allele origin: germline. Inheritance: Autosomal dominant inheritance. Observed: 1 variant allele.
Comment: The p.Glu24416X variant in TTN has not been previously reported in individuals w ith DCM and was absent from large population studies. This nonsense variant lead s to a premature termination codon at position 24416, which is predicted to lead to a truncated or absent protein. Nonsense and other truncating variants in TTN are strongly associated with DCM if they impact the exons encoding for the A-ba nd (Herman 2012, Pugh 2014) and/or are located in an exon that is highly express ed in the heart (Roberts 2015). The p.Glu24416X variant is located in A-band in the highly expressed exon 275. In summary, although additional studies are requi red to fully establish its clinical significance, the p.Glu24416X variant is lik ely pathogenic. ACMG/AMP Criteria applied: PVS1; PM2.

Literature cited by the submitters: PubMed 32815318 (cited by Ambry Genetics).